The following is an entry in ClinVar:

ClinVar aggregate classification (germline): Uncertain significance. Review status: criteria provided, multiple submitters, no conflicts (2 of 4 stars). 2 submissions from 2 submitters: Uncertain significance (2). Last evaluated 2024-08-01.

Allele frequency attached by ClinVar (database versions not stated): gnomAD 0.00001; TOPMed 0.00002.
gnomAD v4.1: 7 of 1,613,178 alleles (0.00043%); highest among the groups gnomAD compares: Non-Finnish European, 0.00059%; no homozygotes.

Submissions (2):

Labcorp Genetics (formerly Invitae), Labcorp
Classification: Uncertain significance. Last evaluated: 2024-08-01. Review status: criteria provided, single submitter. Criteria: Invitae Variant Classification Sherloc (09022015). Collection method: clinical testing. Allele origin: germline.
Comment: This sequence change replaces arginine, which is basic and polar, with cysteine, which is neutral and slightly polar, at codon 52 of the CHRM2 protein (p.Arg52Cys). This variant is not present in population databases (gnomAD no frequency). This variant has not been reported in the literature in individuals affected with CHRM2-related conditions. ClinVar contains an entry for this variant (Variation ID: 1381114). An algorithm developed to predict the effect of missense changes on protein structure and function (PolyPhen-2) suggests that this variant is likely to be disruptive. In summary, the available evidence is currently insufficient to determine the role of this variant in disease. Therefore, it has been classified as a Variant of Uncertain Significance.

Blueprint Genetics
Classification: Uncertain significance. Last evaluated: 2020-09-14. Review status: criteria provided, single submitter. Criteria: ACMG Guidelines, 2015. Collection method: clinical testing. Allele origin: germline.

NM_001006630.2(CHRM2):c.154C>T (p.Arg52Cys)

Genes: CHRM2 (cholinergic receptor muscarinic 2; plus strand), LOC349160 (uncharacterized LOC349160; minus strand). Cytogenetic location: 7q33.
Variant type: single nucleotide variant.
Coding change: c.154C>T on transcript NM_001006630.2 (MANE Select); coding-DNA position 154, C replaced by T.
Protein change: p.Arg52Cys; replaces arginine 52 with cysteine.
Molecular consequence: missense variant.
Genome position (GRCh38, 1-based): chr7:137,015,019, C>T. VCF-style: chr7-137015019-C-T. GRCh37 (hg19) VCF-style: chr7-136699766-C-T.
Other names: c.154C>T, p.Arg52Cys (NM_000739.3, NM_001006626.3, NM_001006627.3 and 6 more transcripts); short protein forms R52C.
Identifiers: ClinVar variation 1381114 (VCV001381114.9), dbSNP rs1011147170, ClinGen allele CA167698533.
Genomic context (GRCh38, chr7:137,015,019, plus strand): 5'-TCCCTCAGTTTGGTGACCATTATCGGGAACATCCTAGTCATGGTTTCCATTAAAGTCAAC[C>T]GCCACCTCCAGACCGTCAACAATTACTTTTTATTCAGCTTGGCCTGTGCTGACCTTATCA-3'
Protein context (NP_001006631.1, residues 42-62): ILVMVSIKVN[Arg52Cys]HLQTVNNYFL